The following is an entry in ClinVar:

ClinVar aggregate classification (germline): Likely pathogenic (1 of 4 stars; one submission).

Submission:

GeneDx
Classification: Likely pathogenic. Last evaluated: 2025-11-04. Review status: criteria provided, single submitter. Criteria: GeneDx Variant Classification Process June 2021. Collection method: clinical testing. Allele origin: germline.
Comment: Not observed at significant frequency in large population cohorts (gnomAD); In silico analysis supports that this missense variant has a deleterious effect on protein structure/function; This variant is associated with the following publications: (PMID: 39035822)

NM_001271.4(CHD2):c.1540G>C (p.Gly514Arg)

Gene: CHD2 (chromodomain helicase DNA binding protein 2; plus strand). Cytogenetic location: 15q26.1.
Variant type: single nucleotide variant.
Coding change: c.1540G>C on transcript NM_001271.4 (MANE Select); coding-DNA position 1540, G replaced by C.
Protein change: p.Gly514Arg; replaces glycine 514 with arginine.
Molecular consequence: missense variant.
Genome position (GRCh38, 1-based): chr15:92,953,394, G>C. VCF-style: chr15-92953394-G-C. GRCh37 (hg19) VCF-style: chr15-93496624-G-C.
Other names: short protein forms G514R.
Identifiers: ClinVar variation 2663403 (VCV002663403.2), dbSNP rs2505480095, ClinGen allele CA393904832.
Genomic context (GRCh38, chr15:92,953,394, plus strand): 5'-TTATTTATTTTTTCTTTCTGCAGAAATAATAGTGTAATCCTTGCTGATGAAATGGGCCTA[G>C]GAAAGACCATCCAGACCATATCATTCCTCTCCTACCTGTTCCACCAACACCAGCTGTATG-3'
Protein context (NP_001262.3, residues 504-524): SVILADEMGL[Gly514Arg]KTIQTISFLS